The following is an entry in ClinVar:

ClinVar aggregate classification (germline): Uncertain significance. Review status: criteria provided, multiple submitters, no conflicts (2 of 4 stars). 2 submissions from 2 submitters: Uncertain significance (2). Last evaluated 2023-06-29.

Conditions:
Blau syndrome (BLAUS). Also called: ARTHROCUTANEOUVEAL GRANULOMATOSIS; GRANULOMATOSIS, FAMILIAL JUVENILE SYSTEMIC; GRANULOMATOSIS, FAMILIAL, BLAU TYPE; GRANULOMATOUS INFLAMMATORY ARTHRITIS, DERMATITIS, AND UVEITIS, FAMILIAL; JABS SYNDROME. Identifiers: Orphanet 90340, MedGen C5201146, MONDO:0008523, OMIM 186580.
Regional enteritis. Also called: Enteritis, Granulomatous. Identifiers: MedGen C0678202, MeSH D003424.

Allele frequency attached by ClinVar (database versions not stated): gnomAD exomes 0.00001; TOPMed 0.00001; gnomAD 0.00002; ExAC 0.00003.
gnomAD v4.1: 22 of 1,613,994 alleles (0.0014%); highest among the groups gnomAD compares: Middle Eastern, 0.016%; no homozygotes.

Submissions (2):

Labcorp Genetics (formerly Invitae), Labcorp
Classification: Uncertain significance for Regional enteritis; Blau syndrome. Last evaluated: 2023-06-29. Review status: criteria provided, single submitter. Criteria: Invitae Variant Classification Sherloc (09022015). Collection method: clinical testing. Allele origin: germline.
Comment: This sequence change replaces glycine, which is neutral and non-polar, with aspartic acid, which is acidic and polar, at codon 299 of the NOD2 protein (p.Gly299Asp). In summary, the available evidence is currently insufficient to determine the role of this variant in disease. Therefore, it has been classified as a Variant of Uncertain Significance. Advanced modeling of protein sequence and biophysical properties (such as structural, functional, and spatial information, amino acid conservation, physicochemical variation, residue mobility, and thermodynamic stability) performed at Invitae indicates that this missense variant is expected to disrupt NOD2 protein function. ClinVar contains an entry for this variant (Variation ID: 872460). This variant has not been reported in the literature in individuals affected with NOD2-related conditions. This variant is present in population databases (rs771184127, gnomAD 0.01%).

CeGaT Center for Human Genetics Tuebingen
Classification: Uncertain significance. Last evaluated: 2019-10-01. Review status: criteria provided, single submitter. Criteria: CeGaT Center For Human Genetics Tuebingen Variant Classification Criteria Version 2. Collection method: clinical testing. Allele origin: germline. Affected: yes. Observed: 1 variant allele.

NM_001370466.1(NOD2):c.815G>A (p.Gly272Asp)

Gene: NOD2 (nucleotide binding oligomerization domain containing 2; plus strand). Cytogenetic location: 16q12.1.
Variant type: single nucleotide variant.
Coding change: c.815G>A on transcript NM_001370466.1 (MANE Select); coding-DNA position 815, G replaced by A.
Protein change: p.Gly272Asp; replaces glycine 272 with aspartic acid.
Molecular consequence: missense variant. On other transcripts: non-coding transcript variant (1).
Genome position (GRCh38, 1-based): chr16:50,710,807, G>A. VCF-style: chr16-50710807-G-A. GRCh37 (hg19) VCF-style: chr16-50744718-G-A.
Other names: c.815G>A, p.Gly272Asp (NM_001293557.2); c.896G>A, p.Gly299Asp (NM_022162.3); short protein forms G272D, G299D.
Identifiers: ClinVar variation 872460 (VCV000872460.47), dbSNP rs771184127, ClinGen allele CA8051420.